The following is an entry in ClinVar:

ClinVar aggregate classification (germline): Uncertain significance (1 of 4 stars; one submission).

Conditions:
Ectodermal dysplasia and immunodeficiency 2. Identifiers: Orphanet 238468, Orphanet 98813, MedGen C2677481, MONDO:0012806, OMIM 612132.

Submission:

Labcorp Genetics (formerly Invitae), Labcorp
Classification: Uncertain significance for Ectodermal dysplasia and immunodeficiency 2. Last evaluated: 2022-12-25. Review status: criteria provided, single submitter. Criteria: Invitae Variant Classification Sherloc (09022015). Collection method: clinical testing. Allele origin: germline.
Comment: In summary, the available evidence is currently insufficient to determine the role of this variant in disease. Therefore, it has been classified as a Variant of Uncertain Significance. Algorithms developed to predict the effect of missense changes on protein structure and function are either unavailable or do not agree on the potential impact of this missense change (SIFT: "Deleterious"; PolyPhen-2: "Probably Damaging"; Align-GVGD: "Class C0"). This variant has not been reported in the literature in individuals affected with NFKBIA-related conditions. This variant is not present in population databases (gnomAD no frequency). This sequence change replaces histidine, which is basic and polar, with glutamine, which is neutral and polar, at codon 84 of the NFKBIA protein (p.His84Gln).

NM_020529.3(NFKBIA):c.252T>G (p.His84Gln)

Gene: NFKBIA (NFKB inhibitor alpha; minus strand). Cytogenetic location: 14q13.2.
Variant type: single nucleotide variant.
Coding change: c.252T>G on transcript NM_020529.3 (MANE Select); coding-DNA position 252, T replaced by G.
Protein change: p.His84Gln; replaces histidine 84 with glutamine.
Molecular consequence: missense variant.
Genome position (GRCh38, 1-based): chr14:35,403,774, A>C on the plus strand (T>G on the coding strand, the complement: NFKBIA is on the minus strand). VCF-style: chr14-35403774-A-C. GRCh37 (hg19) VCF-style: chr14-35872980-A-C.
Other names: short protein forms H84Q.
Identifiers: ClinVar variation 2793722 (VCV002793722.3), dbSNP rs2502185825, ClinGen allele CA389454540.